The following is an entry in ClinVar:

ClinVar aggregate classification (germline): Uncertain significance (1 of 4 stars; one submission).

Submission:

Labcorp Genetics (formerly Invitae), Labcorp
Classification: Uncertain significance. Last evaluated: 2024-10-21. Review status: criteria provided, single submitter. Criteria: Invitae Variant Classification Sherloc (09022015). Collection method: clinical testing. Allele origin: germline.
Comment: This sequence change replaces serine, which is neutral and polar, with arginine, which is basic and polar, at codon 749 of the IL12RB2 protein (p.Ser749Arg). This variant is not present in population databases (gnomAD no frequency). This variant has not been reported in the literature in individuals affected with IL12RB2-related conditions. ClinVar contains an entry for this variant (Variation ID: 1717534). An algorithm developed to predict the effect of missense changes on protein structure and function outputs the following: PolyPhen-2: "Benign". The arginine amino acid residue is found in multiple mammalian species, which suggests that this missense change does not adversely affect protein function. In summary, the available evidence is currently insufficient to determine the role of this variant in disease. Therefore, it has been classified as a Variant of Uncertain Significance.

NM_001374259.2(IL12RB2):c.2247C>G (p.Ser749Arg)

Gene: IL12RB2 (interleukin 12 receptor subunit beta 2; plus strand). Cytogenetic location: 1p31.3.
Variant type: single nucleotide variant.
Coding change: c.2247C>G on transcript NM_001374259.2 (MANE Select); coding-DNA position 2247, C replaced by G.
Protein change: p.Ser749Arg; replaces serine 749 with arginine.
Molecular consequence: missense variant. On other transcripts: 3 prime UTR variant (3), non-coding transcript variant (2).
Genome position (GRCh38, 1-based): chr1:67,395,747, C>G. VCF-style: chr1-67395747-C-G. GRCh37 (hg19) VCF-style: chr1-67861430-C-G.
Other names: c.*167C>G (NM_001258214.1, NM_001319233.1); c.1989C>G, p.Ser663Arg (NM_001258215.1); c.*148C>G (NM_001258216.1); c.2247C>G, p.Ser749Arg (NM_001559.3); short protein forms S663R, S749R.
Identifiers: ClinVar variation 1717534 (VCV001717534.5), dbSNP rs2523554732, ClinGen allele CA340735196.